The following is an entry in ClinVar:

NM_001355436.2(SPTB):c.3561G>A (p.Gln1187=)

Gene: SPTB (spectrin beta, erythrocytic; minus strand). Cytogenetic location: 14q23.3.
Variant type: single nucleotide variant.
Coding change: c.3561G>A on transcript NM_001355436.2 (MANE Select); coding-DNA position 3561, G replaced by A.
Protein change: p.Gln1187=; no amino-acid change (glutamine 1187 retained).
Molecular consequence: synonymous variant.
Genome position (GRCh38, 1-based): chr14:64,786,404, C>T on the plus strand (G>A on the coding strand, the complement: SPTB is on the minus strand). VCF-style: chr14-64786404-C-T. GRCh37 (hg19) VCF-style: chr14-65253122-C-T.
Other names: c.3561G>A, p.Gln1187= (NM_001024858.4, NM_001355437.2).
Identifiers: ClinVar variation 4992702 (VCV004992702.1).

ClinVar aggregate classification (germline): Uncertain significance (1 of 4 stars; one submission).

Conditions:
SPTB-related disorder. Also called: SPTB-related condition; SPTB-Related Disorders.

Submission:

PreventionGenetics, part of Exact Sciences
Classification: Uncertain significance for SPTB-related condition. Last evaluated: 2025-11-06. Review status: criteria provided, single submitter. Criteria: ACMG Guidelines, 2015. Collection method: clinical testing. Allele origin: germline.
Comment: The SPTB c.3561G>A variant is not predicted to result in an amino acid change (p.=). To our knowledge, this variant has not been reported in the literature or in a large population database (gnomAD), indicating this variant is rare. This variant is predicted to alter splicing based on available splicing prediction programs (SpliceAI, Jaganathan et al. 2019. PubMed ID: 30661751). However, the use of computer prediction programs is not equivalent to functional evidence. An alternate change at this splice junction (c.3561+1G>C) has been reported in association with hereditary spherocytosis (Doğru et al. 2025. PubMed ID: 39760301). Although we suspect that the c.3561G>A variant may be pathogenic, at this time, the clinical significance of this variant is uncertain due to the absence of conclusive functional and genetic evidence.